The following is an entry in ClinVar:

ClinVar aggregate classification (germline): Uncertain significance (1 of 4 stars; one submission).

Conditions:
Fanconi anemia (FA). Also called: Fanconi's anemia. Identifiers: Orphanet 84, MedGen C0015625, MeSH D005199, MONDO:0019391.

Submission:

Labcorp Genetics (formerly Invitae), Labcorp
Classification: Uncertain significance for Fanconi anemia. Last evaluated: 2022-03-24. Review status: criteria provided, single submitter. Criteria: Invitae Variant Classification Sherloc (09022015). Collection method: clinical testing. Allele origin: germline.
Comment: This sequence change replaces aspartic acid, which is acidic and polar, with histidine, which is basic and polar, at codon 604 of the FANCG protein (p.Asp604His). This variant is not present in population databases (gnomAD no frequency). This variant has not been reported in the literature in individuals affected with FANCG-related conditions. Algorithms developed to predict the effect of missense changes on protein structure and function are either unavailable or do not agree on the potential impact of this missense change (SIFT: "Tolerated"; PolyPhen-2: "Possibly Damaging"; Align-GVGD: "Class C0"). In summary, the available evidence is currently insufficient to determine the role of this variant in disease. Therefore, it has been classified as a Variant of Uncertain Significance.

NM_004629.2(FANCG):c.1810G>C (p.Asp604His)

Gene: FANCG (FA complementation group G; minus strand). Cytogenetic location: 9p13.3.
Variant type: single nucleotide variant.
Coding change: c.1810G>C on transcript NM_004629.2 (MANE Select); coding-DNA position 1810, G replaced by C.
Protein change: p.Asp604His; replaces aspartic acid 604 with histidine.
Molecular consequence: missense variant.
Genome position (GRCh38, 1-based): chr9:35,074,167, C>G on the plus strand (G>C on the coding strand, the complement: FANCG is on the minus strand). VCF-style: chr9-35074167-C-G. GRCh37 (hg19) VCF-style: chr9-35074164-C-G.
Other names: short protein forms D604H.
Identifiers: ClinVar variation 2107224 (VCV002107224.1), dbSNP rs2490392550, ClinGen allele CA373299526.
Genomic context (GRCh38, chr9:35,074,167, plus strand): 5'-GCTACAGGTCACAAGACTTTGGCAGAGATGTCCGAAATTCTTCAAGGAAGGCGTCACGAT[C>G]AGAGGGACGGATCCAGCTCAAATAGCTTTCTAGGTACAGGGGGAGAGACCTGGAGAGAAA-3'
Protein context (NP_004620.1, residues 594-614): ESYLSWIRPS[Asp604His]RDAFLEEFRT